The following is an entry in ClinVar:

ClinVar aggregate classification (germline): Uncertain significance (1 of 4 stars; one submission).

Submission:

Labcorp Genetics (formerly Invitae), Labcorp
Classification: Uncertain significance. Last evaluated: 2025-10-07. Review status: criteria provided, single submitter. Criteria: Invitae Variant Classification Sherloc (09022015). Collection method: clinical testing. Allele origin: germline.
Comment: This sequence change replaces histidine, which is basic and polar, with proline, which is neutral and non-polar, at codon 1347 of the NEXMIF protein (p.His1347Pro). This variant is not present in population databases (gnomAD no frequency). This variant has not been reported in the literature in individuals affected with NEXMIF-related conditions. An algorithm developed to predict the effect of missense changes on protein structure and function (PolyPhen-2) suggests that this variant is likely to be disruptive. In summary, the available evidence is currently insufficient to determine the role of this variant in disease. Therefore, it has been classified as a Variant of Uncertain Significance.

NM_001008537.3(NEXMIF):c.4040A>C (p.His1347Pro)

Gene: NEXMIF (neurite extension and migration factor; minus strand). Cytogenetic location: Xq13.3.
Variant type: single nucleotide variant.
Coding change: c.4040A>C on transcript NM_001008537.3 (MANE Select); coding-DNA position 4040, A replaced by C.
Protein change: p.His1347Pro; replaces histidine 1347 with proline.
Molecular consequence: missense variant.
Genome position (GRCh38, 1-based): chrX:74,740,517, T>G on the plus strand (A>C on the coding strand, the complement: NEXMIF is on the minus strand). VCF-style: chrX-74740517-T-G. GRCh37 (hg19) VCF-style: chrX-73960352-T-G.
Other names: short protein forms H1347P.
Identifiers: ClinVar variation 4728618 (VCV004728618.1).